The following is an entry in ClinVar:

NM_001199397.3(NEK1):c.1140+4G>A

Gene: NEK1 (NIMA related kinase 1; minus strand). Cytogenetic location: 4q33.
Variant type: single nucleotide variant.
Coding change: c.1140+4G>A on transcript NM_001199397.3 (MANE Select); 4 bases into the intron after coding-DNA position 1140, G replaced by A.
Molecular consequence: intron variant.
Genome position (GRCh38, 1-based): chr4:169,561,828, C>T on the plus strand (G>A on the coding strand, the complement: NEK1 is on the minus strand). VCF-style: chr4-169561828-C-T. GRCh37 (hg19) VCF-style: chr4-170482979-C-T.
Other names: c.1140+4G>A (NM_001374421.1, NM_001374420.1, NM_001199399.3 and 7 more transcripts).
Identifiers: ClinVar variation 900736 (VCV000900736.10), dbSNP rs369300755, ClinGen allele CA3137844.

ClinVar aggregate classification (germline): Uncertain significance. Review status: criteria provided, multiple submitters, no conflicts (2 of 4 stars). 3 submissions from 3 submitters: Uncertain significance (3). Last evaluated 2025-06-25.

Conditions:
Short-rib thoracic dysplasia 6 with or without polydactyly (SRTD6). Also called: POLYDACTYLY WITH NEONATAL CHONDRODYSTROPHY, TYPE II; SHORT RIB-POLYDACTYLY SYNDROME, TYPE IIA; SHORT-RIB THORACIC DYSPLASIA 6 WITH POLYDACTYLY; SHORT-RIB THORACIC DYSPLASIA 6 WITHOUT POLYDACTYLY; Majewski Syndrome. Identifiers: MedGen C0024507, MONDO:0009894, OMIM 263520.

Allele frequency attached by ClinVar (database versions not stated): gnomAD exomes 0.00005; ExAC 0.00007; gnomAD 0.00007; TOPMed 0.00007; ESP Exome Variant Server 0.00009.
gnomAD v4.1: 103 of 1,609,786 alleles (0.0064%); highest among the groups gnomAD compares: Non-Finnish European, 0.0084%; no homozygotes.

Submissions (3):

Labcorp Genetics (formerly Invitae), Labcorp
Classification: Uncertain significance for Short-rib thoracic dysplasia 6 with or without polydactyly. Last evaluated: 2025-06-25. Review status: criteria provided, single submitter. Criteria: Invitae Variant Classification Sherloc (09022015). Collection method: clinical testing. Allele origin: germline.
Comment: This sequence change falls in intron 13 of the NEK1 gene. It does not directly change the encoded amino acid sequence of the NEK1 protein. It affects a nucleotide within the consensus splice site. This variant is present in population databases (rs369300755, gnomAD 0.01%). This variant has not been reported in the literature in individuals affected with NEK1-related conditions. ClinVar contains an entry for this variant (Variation ID: 900736). Variants that disrupt the consensus splice site are a relatively common cause of aberrant splicing (PMID: 17576681, 9536098). Algorithms developed to predict the effect of sequence changes on RNA splicing suggest that this variant is not likely to affect RNA splicing. In summary, the available evidence is currently insufficient to determine the role of this variant in disease. Therefore, it has been classified as a Variant of Uncertain Significance.

ARUP Laboratories, Molecular Genetics and Genomics, ARUP Laboratories
Classification: Uncertain significance. Last evaluated: 2024-05-23. Review status: criteria provided, single submitter. Criteria: ARUP Molecular Germline Variant Investigation Process 2024. Collection method: clinical testing. Allele origin: germline.
Comment: The NEK1 c.1140+4G>A variant (rs369300755), to our knowledge, is not reported in the medical literature but is reported in ClinVar (Variation ID: 900736). This variant is found in the non-Finnish population with allele frequency of 0.01% (13/126914 alleles) in the Genome Aggregation Database (v2.1.1). This is an intronic variant and computational analyses (Alamut Visual Plus v.1.5.1) predict that this variant does not alter splicing. However, since this variant is located within the minimal splice region, the clinical significance of this variant is uncertain at this time.

Illumina Laboratory Services, Illumina
Classification: Uncertain significance for Short-rib thoracic dysplasia 6 with or without polydactyly. Last evaluated: 2018-01-13. Review status: criteria provided, single submitter. Criteria: ICSL Variant Classification Criteria 13 December 2019. Collection method: clinical testing. Allele origin: germline.

Literature cited by the submitters: PubMed 17576681 (cited by Labcorp Genetics (formerly Invitae), Labcorp); PubMed 9536098 (cited by Labcorp Genetics (formerly Invitae), Labcorp).